The following is an entry in ClinVar:

NM_001130438.3(SPTAN1):c.1376G>A (p.Arg459His)

Gene: SPTAN1 (spectrin alpha, non-erythrocytic 1; plus strand). Cytogenetic location: 9q34.11.
Variant type: single nucleotide variant.
Coding change: c.1376G>A on transcript NM_001130438.3 (MANE Select); coding-DNA position 1376, G replaced by A.
Protein change: p.Arg459His; replaces arginine 459 with histidine.
Molecular consequence: missense variant.
Genome position (GRCh38, 1-based): chr9:128,580,974, G>A. VCF-style: chr9-128580974-G-A. GRCh37 (hg19) VCF-style: chr9-131343253-G-A.
Other names: c.1376G>A, p.Arg459His (NM_001195532.2, NM_001363759.2, NM_001363765.2 and 1 more transcripts); short protein forms R459H.
Identifiers: ClinVar variation 411802 (VCV000411802.10), dbSNP rs201948749, ClinGen allele CA5264379.
Genomic context (GRCh38, chr9:128,580,974, plus strand): 5'-CCCCCAAGCTGACCGTCCTTTCCGAGGAGAGAGCGGCGCTGCTGGAGCTGTGGGAGCTGC[G>A]CAGGCAGCAGTACGAGCAGTGCATGGACCTGCAGCTCTTCTACCGGGACACTGAGCAGGT-3'
Protein context (NP_001123910.1, residues 449-469): RAALLELWEL[Arg459His]RQQYEQCMDL

ClinVar aggregate classification (germline): Uncertain significance (1 of 4 stars; one submission).

Conditions:
Early-infantile DEE. Also called: Ohtahara syndrome; Early infantile epileptic encephalopathy with suppression bursts; Early infantile epileptic encephalopathy. Identifiers: Orphanet 1934, MedGen C0393706, MONDO:0800491.

Allele frequency attached by ClinVar (database versions not stated): gnomAD 0.00001; TOPMed 0.00001; gnomAD exomes 0.00003 and 0.00006; ExAC 0.00006; 1000 Genomes Project 30x 0.00016; 1000 Genomes Project 0.00020.
gnomAD v4.1: 46 of 1,613,920 alleles (0.0029%); highest among the groups gnomAD compares: East Asian, 0.036%; no homozygotes.

Submission:

Labcorp Genetics (formerly Invitae), Labcorp
Classification: Uncertain significance for Early-infantile DEE. Last evaluated: 2024-05-23. Review status: criteria provided, single submitter. Criteria: Invitae Variant Classification Sherloc (09022015). Collection method: clinical testing. Allele origin: germline.
Comment: This sequence change replaces arginine, which is basic and polar, with histidine, which is basic and polar, at codon 459 of the SPTAN1 protein (p.Arg459His). This variant is present in population databases (rs201948749, gnomAD 0.05%). This variant has not been reported in the literature in individuals affected with SPTAN1-related conditions. ClinVar contains an entry for this variant (Variation ID: 411802). Advanced modeling of protein sequence and biophysical properties (such as structural, functional, and spatial information, amino acid conservation, physicochemical variation, residue mobility, and thermodynamic stability) has been performed at Invitae for this missense variant, however the output from this modeling did not meet the statistical confidence thresholds required to predict the impact of this variant on SPTAN1 protein function. In summary, the available evidence is currently insufficient to determine the role of this variant in disease. Therefore, it has been classified as a Variant of Uncertain Significance.